The following is an entry in ClinVar:

NM_000091.5(COL4A3):c.1396G>A (p.Asp466Asn)

Genes: COL4A3 (collagen type IV alpha 3 chain; plus strand), MFF-DT (MFF divergent transcript; minus strand). Cytogenetic location: 2q36.3.
Variant type: single nucleotide variant.
Coding change: c.1396G>A on transcript NM_000091.5 (MANE Select); coding-DNA position 1396, G replaced by A.
Protein change: p.Asp466Asn; replaces aspartic acid 466 with asparagine.
Molecular consequence: missense variant.
Genome position (GRCh38, 1-based): chr2:227,266,497, G>A. VCF-style: chr2-227266497-G-A. GRCh37 (hg19) VCF-style: chr2-228131213-G-A.
Other names: c.1396G>A (NM_000091.4); short protein forms D466N.
Identifiers: ClinVar variation 1414890 (VCV001414890.7), dbSNP rs541071302, ClinGen allele CA66634163.
Genomic context (GRCh38, chr2:227,266,497, plus strand): 5'-GGTCCACCTGGAGATCACGGACTGCCAGGCTATCTAGGGTCTCCAGGAATCCCAGGAGTT[G>A]ATGGGCCCAAAGGTTGGTTCAATCAATAATGTTGTATTAGGATAAGCCTTTTTCATCGTC-3'
Protein context (NP_000082.2, residues 456-476): YLGSPGIPGV[Asp466Asn]GPKGEPGLLC

ClinVar aggregate classification (germline): Uncertain significance. Review status: criteria provided, multiple submitters, no conflicts (2 of 4 stars). 2 submissions from 2 submitters: Uncertain significance (2). Last evaluated 2025-06-12.

Conditions:
Inborn genetic diseases. Identifiers: MedGen C0950123, MeSH D030342.

Allele frequency attached by ClinVar (database versions not stated): gnomAD exomes below 0.00001; gnomAD 0.00002 and 0.00003; TOPMed 0.00002.
gnomAD v4.1: 9 of 1,613,568 alleles (0.00056%); highest among the groups gnomAD compares: Middle Eastern, 0.016%; no homozygotes.

Submissions (2):

Labcorp Genetics (formerly Invitae), Labcorp
Classification: Uncertain significance. Last evaluated: 2025-06-12. Review status: criteria provided, single submitter. Criteria: Invitae Variant Classification Sherloc (09022015). Collection method: clinical testing. Allele origin: germline.
Comment: This sequence change replaces aspartic acid, which is acidic and polar, with asparagine, which is neutral and polar, at codon 466 of the COL4A3 protein (p.Asp466Asn). This variant is not present in population databases (gnomAD no frequency). This missense change has been observed in individual(s) with autosomal dominant Alport syndrome (PMID: 26809805). ClinVar contains an entry for this variant (Variation ID: 1414890). Invitae Evidence Modeling of protein sequence and biophysical properties (such as structural, functional, and spatial information, amino acid conservation, physicochemical variation, residue mobility, and thermodynamic stability) indicates that this missense variant is not expected to disrupt COL4A3 protein function with a negative predictive value of 95%. In summary, the available evidence is currently insufficient to determine the role of this variant in disease. Therefore, it has been classified as a Variant of Uncertain Significance.

Ambry Genetics
Classification: Uncertain significance for Inborn genetic diseases. Last evaluated: 2024-12-17. Review status: criteria provided, single submitter. Criteria: Ambry Variant Classification Scheme 2023. Collection method: clinical testing. Allele origin: germline.

Literature cited by the submitters: PubMed 26809805 (cited by Labcorp Genetics (formerly Invitae), Labcorp).